The following is an entry in ClinVar:

ClinVar aggregate classification (germline): Uncertain significance (1 of 4 stars; one submission).

Conditions:
Compton-North congenital myopathy (CMYO12). Identifiers: Orphanet 210163, MedGen C2675527, MONDO:0012929, OMIM 612540.

Submission:

Labcorp Genetics (formerly Invitae), Labcorp
Classification: Uncertain significance for Compton-North congenital myopathy. Last evaluated: 2022-07-12. Review status: criteria provided, single submitter. Criteria: Invitae Variant Classification Sherloc (09022015). Collection method: clinical testing. Allele origin: germline.
Comment: This sequence change replaces methionine, which is neutral and non-polar, with valine, which is neutral and non-polar, at codon 561 of the CNTN1 protein (p.Met561Val). In summary, the available evidence is currently insufficient to determine the role of this variant in disease. Therefore, it has been classified as a Variant of Uncertain Significance. Algorithms developed to predict the effect of missense changes on protein structure and function (SIFT, PolyPhen-2, Align-GVGD) all suggest that this variant is likely to be tolerated. ClinVar contains an entry for this variant (Variation ID: 1389955). This variant has not been reported in the literature in individuals affected with CNTN1-related conditions. This variant is not present in population databases (gnomAD no frequency).

NM_001843.4(CNTN1):c.1681A>G (p.Met561Val)

Gene: CNTN1 (contactin 1; plus strand). Cytogenetic location: 12q12.
Variant type: single nucleotide variant.
Coding change: c.1681A>G on transcript NM_001843.4 (MANE Select); coding-DNA position 1681, A replaced by G.
Protein change: p.Met561Val; replaces methionine 561 with valine.
Molecular consequence: missense variant.
Genome position (GRCh38, 1-based): chr12:40,944,168, A>G. VCF-style: chr12-40944168-A-G. GRCh37 (hg19) VCF-style: chr12-41337970-A-G.
Other names: c.1681A>G, p.Met561Val (NM_001256063.2, NM_001256064.2); c.1648A>G, p.Met550Val (NM_175038.2); short protein forms M550V, M561V.
Identifiers: ClinVar variation 1389955 (VCV001389955.8), dbSNP rs2136952998, ClinGen allele CA384425181.